The following is an entry in ClinVar:

NM_000051.4(ATM):c.6695del (p.Glu2232fs)

Genes: ATM (ATM serine/threonine kinase; plus strand), C11orf65 (chromosome 11 open reading frame 65; minus strand). Cytogenetic location: 11q22.3.
Variant type: Deletion.
Coding change: c.6695del on transcript NM_000051.4 (MANE Select); coding-DNA position 6695, one base deleted (A; older notation c.6695delA).
Protein change: p.Glu2232fs; shifts the reading frame from glutamic acid 2232.
Molecular consequence: frameshift variant. On other transcripts: intron variant (2).
Genome position (GRCh38, 1-based): chr11:108,325,432, A deleted. VCF-style (leftmost placement, unchanged base first): chr11-108325431-GA-G. GRCh37 (hg19) VCF-style: chr11-108196158-GA-G.
Other names: c.6695del, p.Glu2232fs (NM_001351834.2); c.641-16361del (NM_001330368.2); c.*38+9788del (NM_001351110.2); short protein forms E2232fs.
Identifiers: ClinVar variation 2673595 (VCV002673595.2), dbSNP rs2547203609, ClinGen allele CA2695198974.

ClinVar aggregate classification (germline): Pathogenic. Review status: criteria provided, multiple submitters, no conflicts (2 of 4 stars). 2 submissions from 2 submitters: Pathogenic (2). Last evaluated 2023-11-30.

Conditions:
Familial cancer of breast. Also called: BREAST CANCER, FAMILIAL; Hereditary breast cancer; hereditary breast carcinoma. Identifiers: Orphanet 227535, MedGen C0346153, MONDO:0016419, OMIM 114480. Disease mechanism: loss of function.
Hereditary cancer-predisposing syndrome. Also called: Hereditary Cancer Syndrome; Hereditary neoplastic syndrome; Neoplastic Syndromes, Hereditary; Tumor predisposition. Identifiers: Orphanet 140162, MedGen C0027672, MeSH D009386, MONDO:0015356.

Submissions (2):

Ambry Genetics
Classification: Pathogenic for Hereditary cancer-predisposing syndrome. Last evaluated: 2023-11-30. Review status: criteria provided, single submitter. Criteria: Ambry Variant Classification Scheme 2023. Collection method: clinical testing. Allele origin: germline.
Comment: The c.6695delA pathogenic mutation, located in coding exon 45 of the ATM gene, results from a deletion of one nucleotide at nucleotide position 6695, causing a translational frameshift with a predicted alternate stop codon (p.E2232Gfs*3). This variant is considered to be rare based on population cohorts in the Genome Aggregation Database (gnomAD). This alteration is expected to result in loss of function by premature protein truncation or nonsense-mediated mRNA decay. As such, this alteration is interpreted as a disease-causing mutation.

Myriad Genetics, Inc.
Classification: Pathogenic for Familial cancer of breast. Last evaluated: 2023-08-08. Review status: criteria provided, single submitter. Criteria: Myriad Autosomal Dominant, Autosomal Recessive and X-Linked Classification Criteria (2023). Collection method: clinical testing. Allele origin: unknown.
Comment: This variant is considered pathogenic. This variant creates a frameshift predicted to result in premature protein truncation.